The following is an entry in ClinVar:

NM_000465.4(BARD1):c.1949A>G (p.Lys650Arg)

Gene: BARD1 (BRCA1 associated RING domain 1; minus strand). Cytogenetic location: 2q35.
Variant type: single nucleotide variant.
Coding change: c.1949A>G on transcript NM_000465.4 (MANE Select); coding-DNA position 1949, A replaced by G.
Protein change: p.Lys650Arg; replaces lysine 650 with arginine.
Molecular consequence: missense variant. On other transcripts: non-coding transcript variant (3).
Genome position (GRCh38, 1-based): chr2:214,730,463, T>C on the plus strand (A>G on the coding strand, the complement: BARD1 is on the minus strand). VCF-style: chr2-214730463-T-C. GRCh37 (hg19) VCF-style: chr2-215595187-T-C.
Other names: c.1892A>G, p.Lys631Arg (NM_001282543.2); c.596A>G, p.Lys199Arg (NM_001282545.2); c.539A>G, p.Lys180Arg (NM_001282548.2); c.410A>G, p.Lys137Arg (NM_001282549.2); short protein forms K650R, K137R, K180R, K199R, K631R.
Identifiers: ClinVar variation 971217 (VCV000971217.10), dbSNP rs876659021, ClinGen allele CA350451179.

ClinVar aggregate classification (germline): Uncertain significance (1 of 4 stars; one submission).

Conditions:
Familial cancer of breast. Also called: hereditary breast carcinoma; Hereditary breast cancer; BREAST CANCER, FAMILIAL. Identifiers: Orphanet 227535, MedGen C0346153, MONDO:0016419, OMIM 114480. Disease mechanism: loss of function.

Submission:

Labcorp Genetics (formerly Invitae), Labcorp
Classification: Uncertain significance for Familial cancer of breast. Last evaluated: 2024-02-12. Review status: criteria provided, single submitter. Criteria: Invitae Variant Classification Sherloc (09022015). Collection method: clinical testing. Allele origin: germline.
Comment: This sequence change replaces lysine, which is basic and polar, with arginine, which is basic and polar, at codon 650 of the BARD1 protein (p.Lys650Arg). This variant is not present in population databases (gnomAD no frequency). This variant has not been reported in the literature in individuals affected with BARD1-related conditions. ClinVar contains an entry for this variant (Variation ID: 971217). An algorithm developed to predict the effect of missense changes on protein structure and function (PolyPhen-2) suggests that this variant is likely to be tolerated. Algorithms developed to predict the effect of sequence changes on RNA splicing suggest that this variant may disrupt the consensus splice site. In summary, the available evidence is currently insufficient to determine the role of this variant in disease. Therefore, it has been classified as a Variant of Uncertain Significance.